The following is an entry in ClinVar:

NM_001711.6(BGN):c.827T>G (p.Leu276Arg)

Gene: BGN (biglycan; plus strand). Cytogenetic location: Xq28.
Variant type: single nucleotide variant.
Coding change: c.827T>G on transcript NM_001711.6 (MANE Select); coding-DNA position 827, T replaced by G.
Protein change: p.Leu276Arg; replaces leucine 276 with arginine.
Molecular consequence: missense variant.
Genome position (GRCh38, 1-based): chrX:153,507,103, T>G. VCF-style: chrX-153507103-T-G. GRCh37 (hg19) VCF-style: chrX-152772561-T-G.
Other names: c.827T>G (NM_001711.5); short protein forms L276R.
Identifiers: ClinVar variation 1762731 (VCV001762731.8), dbSNP rs782596982, ClinGen allele CA415071429.
Genomic context (GRCh38, chrX:153,507,103, plus strand): 5'-ACAGGCTGGGCCTAGGCCACAACCAGATCAGGATGATCGAGAACGGGAGCCTGAGCTTCC[T>G]GCCCACCCTCCGGGAGCTCCACTTGGACAACAACAAGTTGGCCAGGGTGCCCTCAGGGCT-3'
Protein context (NP_001702.1, residues 266-286): RMIENGSLSF[Leu276Arg]PTLRELHLDN

ClinVar aggregate classification (germline): Uncertain significance. Review status: criteria provided, multiple submitters, no conflicts (2 of 4 stars). 3 submissions from 3 submitters: Uncertain significance (3). Last evaluated 2024-10-07.

Conditions:
Cardiovascular phenotype. Identifiers: MedGen CN230736.

Submissions (3):

Labcorp Genetics (formerly Invitae), Labcorp
Classification: Uncertain significance. Last evaluated: 2024-10-07. Review status: criteria provided, single submitter. Criteria: Invitae Variant Classification Sherloc (09022015). Collection method: clinical testing. Allele origin: germline.
Comment: This sequence change replaces leucine, which is neutral and non-polar, with arginine, which is basic and polar, at codon 276 of the BGN protein (p.Leu276Arg). This variant is not present in population databases (gnomAD no frequency). This variant has not been reported in the literature in individuals affected with BGN-related conditions. ClinVar contains an entry for this variant (Variation ID: 1762731). Invitae Evidence Modeling of protein sequence and biophysical properties (such as structural, functional, and spatial information, amino acid conservation, physicochemical variation, residue mobility, and thermodynamic stability) has been performed for this missense variant. However, the output from this modeling did not meet the statistical confidence thresholds required to predict the impact of this variant on BGN protein function. In summary, the available evidence is currently insufficient to determine the role of this variant in disease. Therefore, it has been classified as a Variant of Uncertain Significance.

GeneDx
Classification: Uncertain significance. Last evaluated: 2023-08-31. Review status: criteria provided, single submitter. Criteria: GeneDx Variant Classification Process June 2021. Collection method: clinical testing. Allele origin: germline. Affected: yes.
Comment: Has not been previously published as pathogenic or benign to our knowledge; In silico analysis supports that this missense variant has a deleterious effect on protein structure/function; Variants in candidate genes are classified as variants of uncertain significance in accordance with ACMG guidelines (Richards et al., 2015)

Ambry Genetics
Classification: Uncertain significance for Cardiovascular phenotype. Last evaluated: 2021-05-26. Review status: criteria provided, single submitter. Criteria: Ambry Variant Classification Scheme 2023. Collection method: clinical testing. Allele origin: germline.
Comment: The p.L276R variant (also known as c.827T>G), located in coding exon 6 of the BGN gene, results from a T to G substitution at nucleotide position 827. The leucine at codon 276 is replaced by arginine, an amino acid with dissimilar properties. This amino acid position is not well conserved in available vertebrate species. In addition, the in silico prediction for this alteration is inconclusive. Since supporting evidence is limited at this time, the clinical significance of this alteration remains unclear.